The following is an entry in ClinVar:

NM_001953.5(TYMP):c.332delinsTTGTGTATAAGAGACAGT (p.Gln111fs)

Gene: TYMP (thymidine phosphorylase; minus strand). Cytogenetic location: 22q13.33.
Variant type: Indel.
Coding change: c.332delinsTTGTGTATAAGAGACAGT on transcript NM_001953.5 (MANE Select); coding-DNA position 332, A replaced by TTGTGTATAAGAGACAGT.
Protein change: p.Gln111fs; shifts the reading frame from glutamine 111.
Molecular consequence: frameshift variant.
Genome position (GRCh38, 1-based): chr22:50,529,221, T replaced by ACTGTCTCTTATACACAA on the plus strand (A replaced by TTGTGTATAAGAGACAGT on the coding strand, the reverse complement: TYMP is on the minus strand). VCF-style: chr22-50529221-T-ACTGTCTCTTATACACAA. GRCh37 (hg19) VCF-style: chr22-50967650-T-ACTGTCTCTTATACACAA.
Other names: c.332delinsTTGTGTATAAGAGACAGT, p.Gln111fs (NM_001113755.3, NM_001113756.3, NM_001257988.1 and 1 more transcripts); short protein forms Q111fs.
Identifiers: ClinVar variation 5016404 (VCV005016404.1).
Genomic context (GRCh38, chr22:50,529,221, plus strand): 5'-GGTGCGAGGACCAGGCTGACCTTGTCACCCACACCCCCTGTGGAATGCTTGTCCACAAGC[T>ACTGTCTCTTATACACAA]GCTGGCGCCAGGCCTCTGGCCACTCCAGCTGCTGTCCCGACTGAGCCAGGGCCTGGGTCA-3'

ClinVar aggregate classification (germline): Pathogenic (1 of 4 stars; one submission).

Conditions:
Mitochondrial DNA depletion syndrome 1. Also called: POLIP SYNDROME; POLYNEUROPATHY, OPHTHALMOPLEGIA, LEUKOENCEPHALOPATHY, AND INTESTINAL PSEUDOOBSTRUCTION; Mitochondrial Neurogastrointestinal Encephalopathy Disease; MITOCHONDRIAL NEUROGASTROINTESTINAL ENCEPHALOPATHY SYNDROME, TYMP-RELATED; MNGIE, TYMP-RELATED; Mitochondrial neurogastrointestinal encephalomyopathy syndrome. Identifiers: Orphanet 298, MedGen C4551995, MONDO:0011283, OMIM 603041.

Submission:

Myriad Genetics, Inc.
Classification: Pathogenic for Mitochondrial DNA depletion syndrome 1. Last evaluated: 2026-03-19. Review status: criteria provided, single submitter. Criteria: Myriad Autosomal Dominant, Autosomal Recessive and X-Linked Classification Criteria (2023). Collection method: clinical testing. Allele origin: unknown.
Comment: NM_001953.4(TYMP):c.332del1ins18(Q111Lfs*38) is expected to be pathogenic in the context of mitochondrial neurogastrointestinal encephalopathy disease. This variant is predicted to lead to an abnormal or absent protein product due to the creation of a premature termination codon in TYMP, a gene where loss-of-function variants are known to be pathogenic. Please note: this variant was assessed in the context of healthy population screening.